The following is an entry in ClinVar:

NM_021930.6(RINT1):c.653A>T (p.Lys218Ile)

Gene: RINT1 (RAD50 interactor 1; plus strand). Cytogenetic location: 7q22.3.
Variant type: single nucleotide variant.
Coding change: c.653A>T on transcript NM_021930.6 (MANE Select); coding-DNA position 653, A replaced by T.
Protein change: p.Lys218Ile; replaces lysine 218 with isoleucine.
Molecular consequence: missense variant. On other transcripts: 5 prime UTR variant (2), non-coding transcript variant (1), intron variant (1).
Genome position (GRCh38, 1-based): chr7:105,547,047, A>T. VCF-style: chr7-105547047-A-T. GRCh37 (hg19) VCF-style: chr7-105187494-A-T.
Other names: c.419A>T, p.Lys140Ile (NM_001346599.2); c.-367A>T (NM_001346600.2); c.-270A>T (NM_001346601.2); c.-27-3008A>T (NM_001346603.2); short protein forms K140I, K218I.
Identifiers: ClinVar variation 2625530 (VCV002625530.2), dbSNP rs2485123079, ClinGen allele CA368805887.

ClinVar aggregate classification (germline): Uncertain significance (1 of 4 stars; one submission).

Submission:

Ambry Genetics
Classification: Uncertain significance. Last evaluated: 2023-08-13. Review status: criteria provided, single submitter. Criteria: Ambry Variant Classification Scheme 2023. Collection method: clinical testing. Allele origin: germline.
Comment: The p.K218I variant (also known as c.653A>T), located in coding exon 5 of the RINT1 gene, results from an A to T substitution at nucleotide position 653. The lysine at codon 218 is replaced by isoleucine, an amino acid with dissimilar properties. This amino acid position is conserved. In addition, this alteration is predicted to be tolerated by in silico analysis. Since supporting evidence is limited at this time, the clinical significance of this alteration remains unclear.